The following is an entry in ClinVar:

ClinVar aggregate classification (germline): Uncertain significance (1 of 4 stars; one submission).

Conditions:
Wiskott-Aldrich syndrome (WAS). Also called: ALDRICH SYNDROME; IMMUNODEFICIENCY 2; WISKOTT-ALDRICH SYNDROME 1; Wiskott-aldrich syndrome, somatic. Identifiers: Orphanet 906, MedGen C0043194, MONDO:0010518, OMIM 301000.
X-linked severe congenital neutropenia (SCNX). Identifiers: Orphanet 86788, MedGen C1845987, MONDO:0010294, OMIM 300299.
Thrombocytopenia 1. Also called: THROMBOCYTOPENIA, X-LINKED, 1; X-Linked Thrombocytopenia (XLT); X-linked thrombocytopenia with normal platelets. Identifiers: Orphanet 268322, Orphanet 852, MedGen C1839163, MONDO:0010743, OMIM 313900.

gnomAD v4.1: 2 of 1,119,519 alleles (0.00018%); highest among the groups gnomAD compares: Admixed American, 0.0027%; no homozygotes.

Submission:

Labcorp Genetics (formerly Invitae), Labcorp
Classification: Uncertain significance for Wiskott-Aldrich syndrome; X-linked severe congenital neutropenia; Thrombocytopenia 1. Last evaluated: 2026-01-23. Review status: criteria provided, single submitter. Criteria: Invitae Variant Classification Sherloc (09022015). Collection method: clinical testing. Allele origin: germline.
Comment: This sequence change replaces arginine, which is basic and polar, with tryptophan, which is neutral and slightly polar, at codon 357 of the WAS protein (p.Arg357Trp). This variant is not present in population databases (gnomAD no frequency). This variant has not been reported in the literature in individuals affected with WAS-related conditions. Invitae Evidence Modeling of protein sequence and biophysical properties (such as structural, functional, and spatial information, amino acid conservation, physicochemical variation, residue mobility, and thermodynamic stability) indicates that this missense variant is not expected to disrupt WAS protein function with a negative predictive value of 80%. In summary, the available evidence is currently insufficient to determine the role of this variant in disease. Therefore, it has been classified as a Variant of Uncertain Significance.

NM_000377.3(WAS):c.1069C>T (p.Arg357Trp)

Gene: WAS (WASP actin nucleation promoting factor; plus strand). Cytogenetic location: Xp11.23.
Variant type: single nucleotide variant.
Coding change: c.1069C>T on transcript NM_000377.3 (MANE Select); coding-DNA position 1069, C replaced by T.
Protein change: p.Arg357Trp; replaces arginine 357 with tryptophan.
Molecular consequence: missense variant. On other transcripts: intron variant (2).
Genome position (GRCh38, 1-based): chrX:48,688,797, C>T. VCF-style: chrX-48688797-C-T. GRCh37 (hg19) VCF-style: chrX-48547186-C-T.
Other names: c.1069C>T, p.Arg357Trp (NM_001438877.1, NM_001438879.1); c.932-19C>T (NM_001438878.1, NM_001438876.1); short protein forms R357W.
Identifiers: ClinVar variation 4793099 (VCV004793099.1).